The following is an entry in ClinVar:

ClinVar aggregate classification (germline): Uncertain significance (1 of 4 stars; one submission).

Conditions:
Tumor predisposition syndrome 3 (TPDS3). Also called: Melanoma, cutaneous malignant, susceptibility to, 10; Glioma susceptibility 9; LONG TELOMERE SYNDROME, POT1-RELATED; POT1 Tumor Predisposition. Identifiers: Orphanet 618, MedGen C4014476, MONDO:0014368, OMIM 615848.

Submission:

Labcorp Genetics (formerly Invitae), Labcorp
Classification: Uncertain significance for Tumor predisposition syndrome 3. Last evaluated: 2022-06-13. Review status: criteria provided, single submitter. Criteria: Invitae Variant Classification Sherloc (09022015). Collection method: clinical testing. Allele origin: germline.
Comment: This sequence change replaces proline, which is neutral and non-polar, with threonine, which is neutral and polar, at codon 34 of the POT1 protein (p.Pro34Thr). In summary, the available evidence is currently insufficient to determine the role of this variant in disease. Therefore, it has been classified as a Variant of Uncertain Significance. Algorithms developed to predict the effect of missense changes on protein structure and function are either unavailable or do not agree on the potential impact of this missense change (SIFT: "Deleterious"; PolyPhen-2: "Possibly Damaging"; Align-GVGD: "Class C0"). This variant has not been reported in the literature in individuals affected with POT1-related conditions. This variant is not present in population databases (gnomAD no frequency).

NM_015450.3(POT1):c.100C>A (p.Pro34Thr)

Gene: POT1 (protection of telomeres 1; minus strand). Cytogenetic location: 7q31.33.
Variant type: single nucleotide variant.
Coding change: c.100C>A on transcript NM_015450.3 (MANE Select); coding-DNA position 100, C replaced by A.
Protein change: p.Pro34Thr; replaces proline 34 with threonine.
Molecular consequence: missense variant. On other transcripts: 5 prime UTR variant (1), non-coding transcript variant (3).
Genome position (GRCh38, 1-based): chr7:124,892,290, G>T on the plus strand (C>A on the coding strand, the complement: POT1 is on the minus strand). VCF-style: chr7-124892290-G-T. GRCh37 (hg19) VCF-style: chr7-124532344-G-T.
Other names: c.-163C>A (NM_001042594.2); short protein forms P34T.
Identifiers: ClinVar variation 2161036 (VCV002161036.4), dbSNP rs1221080304, ClinGen allele CA369066024.